The following is an entry in ClinVar:

ClinVar aggregate classification (germline): Uncertain significance (1 of 4 stars; one submission).

Conditions:
Inborn genetic diseases. Identifiers: MedGen C0950123, MeSH D030342.

Submission:

Ambry Genetics
Classification: Uncertain significance for Inborn genetic diseases. Last evaluated: 2025-08-22. Review status: criteria provided, single submitter. Criteria: Ambry Variant Classification Scheme 2023. Collection method: clinical testing. Allele origin: germline.
Comment: The p.V1432A variant (also known as c.4295T>C), located in coding exon 43 of the FANCA gene, results from a T to C substitution at nucleotide position 4295. The valine at codon 1432 is replaced by alanine, an amino acid with similar properties. This amino acid position is conserved. In addition, the in silico prediction for this alteration is inconclusive. Based on the available evidence, the clinical significance of this variant remains unclear.

NM_000135.4(FANCA):c.4295T>C (p.Val1432Ala)

Genes: ZNF276 (zinc finger protein 276; plus strand), FANCA (FA complementation group A; minus strand). Cytogenetic location: 16q24.3.
Variant type: single nucleotide variant.
Coding change: c.4295T>C on transcript NM_000135.4 (MANE Select); coding-DNA position 4295, T replaced by C.
Protein change: p.Val1432Ala; replaces valine 1432 with alanine.
Molecular consequence: missense variant. On other transcripts: 3 prime UTR variant (3), non-coding transcript variant (4).
Genome position (GRCh38, 1-based): chr16:89,738,674, A>G on the plus strand (T>C on the coding strand, the complement: FANCA is on the minus strand). VCF-style: chr16-89738674-A-G. GRCh37 (hg19) VCF-style: chr16-89805082-A-G.
Other names: c.*24T>C (NM_001286167.3); c.*428A>G (NM_001113525.2, NM_152287.4); short protein forms V1432A.
Identifiers: ClinVar variation 4254304 (VCV004254304.1).
Genomic context (GRCh38, chr16:89,738,674, plus strand): 5'-GGCTCCTGGGACAGGTCAGCGTCAGGGGCAGCCTGCTGTCTGCTCTGGAGGGCGGCGCTC[A>G]CCTCTGGGTCGCAGTCCCCACGATCAGCCAGCAGCTGTGAGAGAGGAGCAGGTCCTCAGC-3'
Protein context (NP_000126.2, residues 1422-1442): LADRGDCDPE[Val1432Ala]SAALQSRQQA